The following is an entry in ClinVar:

NM_001077365.2(POMT1):c.917C>T (p.Thr306Ile)

Gene: POMT1 (protein O-mannosyltransferase 1; plus strand). Cytogenetic location: 9q34.13.
Variant type: single nucleotide variant.
Coding change: c.917C>T on transcript NM_001077365.2 (MANE Select); coding-DNA position 917, C replaced by T.
Protein change: p.Thr306Ile; replaces threonine 306 with isoleucine.
Molecular consequence: missense variant. On other transcripts: synonymous variant (1), non-coding transcript variant (10).
Genome position (GRCh38, 1-based): chr9:131,511,398, C>T. VCF-style: chr9-131511398-C-T. GRCh37 (hg19) VCF-style: chr9-134386785-C-T.
Other names: c.755C>T, p.Thr252Ile (NM_001077366.2, NM_001353194.2, NM_001374693.1); c.917C>T, p.Thr306Ile (NM_001136113.2, NM_001374690.1); c.566C>T, p.Thr189Ile (NM_001136114.2, NM_001353195.2, NM_001374691.1 and 1 more transcripts); c.983C>T, p.Thr328Ile (NM_001353193.2, NM_007171.4); c.827C>T, p.Thr276Ile (NM_001353196.2); c.821C>T, p.Thr274Ile (NM_001353197.2, NM_001353198.2); c.632C>T, p.Thr211Ile (NM_001353199.2); c.461C>T, p.Thr154Ile (NM_001353200.2); and 2 more; short protein forms T154I, T176I, T252I, T276I, T306I, T189I, T328I, T211I.
Identifiers: ClinVar variation 1416627 (VCV001416627.5), dbSNP rs1377535146, ClinGen allele CA375308516.

ClinVar aggregate classification (germline): Uncertain significance (1 of 4 stars; one submission).

Conditions:
Walker-Warburg congenital muscular dystrophy. Also called: Muscular dystrophy-dystroglycanopathy, type A; Walker-Warburg syndrome. Identifiers: Orphanet 899, MedGen C0265221, MONDO:0000171.
Autosomal recessive limb-girdle muscular dystrophy type 2K. Also called: MUSCULAR DYSTROPHY, LIMB-GIRDLE, TYPE 2K; MUSCULAR DYSTROPHY-DYSTROGLYCANOPATHY (LIMB-GIRDLE), TYPE C, 1. Identifiers: Orphanet 86812, MedGen C1836373, MONDO:0012248, OMIM 609308.
Muscular dystrophy-dystroglycanopathy (congenital with impaired intellectual development), type B, 1. Also called: MUSCULAR DYSTROPHY, CONGENITAL, POMT1-RELATED; Muscular dystrophy-dystroglycanopathy (congenital with intellectual disability), type B1. Identifiers: MedGen C5436962, MONDO:0013159, OMIM 613155.

Allele frequency attached by ClinVar (database versions not stated): gnomAD 0.00001; gnomAD exomes below 0.00001; TOPMed below 0.00001.
gnomAD v4.1: 5 of 1,614,012 alleles (0.00031%); highest among the groups gnomAD compares: Non-Finnish European, 0.00042%; no homozygotes.

Submission:

Labcorp Genetics (formerly Invitae), Labcorp
Classification: Uncertain significance for Muscular dystrophy-dystroglycanopathy (congenital with impaired intellectual development), type B, 1; Walker-Warburg congenital muscular dystrophy; Autosomal recessive limb-girdle muscular dystrophy type 2K. Last evaluated: 2021-09-02. Review status: criteria provided, single submitter. Criteria: Invitae Variant Classification Sherloc (09022015). Collection method: clinical testing. Allele origin: germline.
Comment: This sequence change replaces threonine with isoleucine at codon 328 of the POMT1 protein (p.Thr328Ile). The threonine residue is highly conserved and there is a moderate physicochemical difference between threonine and isoleucine. This variant is not present in population databases (ExAC no frequency). This variant has not been reported in the literature in individuals affected with POMT1-related conditions. Algorithms developed to predict the effect of missense changes on protein structure and function (SIFT, PolyPhen-2, Align-GVGD) all suggest that this variant is likely to be disruptive. In summary, the available evidence is currently insufficient to determine the role of this variant in disease. Therefore, it has been classified as a Variant of Uncertain Significance.